The following is an entry in ClinVar:

NM_020937.4(FANCM):c.1984A>G (p.Ile662Val)

Gene: FANCM (FA complementation group M; plus strand). Cytogenetic location: 14q21.2.
Variant type: single nucleotide variant.
Coding change: c.1984A>G on transcript NM_020937.4 (MANE Select); coding-DNA position 1984, A replaced by G.
Protein change: p.Ile662Val; replaces isoleucine 662 with valine.
Molecular consequence: missense variant.
Genome position (GRCh38, 1-based): chr14:45,167,145, A>G. VCF-style: chr14-45167145-A-G. GRCh37 (hg19) VCF-style: chr14-45636348-A-G.
Other names: c.1984A>G (NM_020937.2); c.1906A>G, p.Ile636Val (NM_001308133.2); c.1984A>G, p.Ile662Val (NM_001308134.2); short protein forms I662V, I636V.
Identifiers: ClinVar variation 1431562 (VCV001431562.9), dbSNP rs1175276940, ClinGen allele CA389595194.

ClinVar aggregate classification (germline): Uncertain significance. Review status: criteria provided, multiple submitters, no conflicts (2 of 4 stars). 2 submissions from 2 submitters: Uncertain significance (2). Last evaluated 2025-06-17.

Conditions:
Inborn genetic diseases. Identifiers: MedGen C0950123, MeSH D030342.
Fanconi anemia (FA). Also called: Fanconi's anemia. Identifiers: Orphanet 84, MedGen C0015625, MeSH D005199, MONDO:0019391.

Allele frequency attached by ClinVar (database versions not stated): gnomAD exomes below 0.00001; gnomAD 0.00001.
gnomAD v4.1: 3 of 1,608,612 alleles (0.00019%); highest among the groups gnomAD compares: South Asian, 0.0011%; no homozygotes.

Submissions (2):

Ambry Genetics
Classification: Uncertain significance for Inborn genetic diseases. Last evaluated: 2025-06-17. Review status: criteria provided, single submitter. Criteria: Ambry Variant Classification Scheme 2023. Collection method: clinical testing. Allele origin: germline.
Comment: The p.I662V variant (also known as c.1984A>G), located in coding exon 11 of the FANCM gene, results from an A to G substitution at nucleotide position 1984. The isoleucine at codon 662 is replaced by valine, an amino acid with highly similar properties. This amino acid position is conserved. In addition, this alteration is predicted to be tolerated by in silico analysis. Based on the available evidence, the clinical significance of this variant remains unclear.

Labcorp Genetics (formerly Invitae), Labcorp
Classification: Uncertain significance for Fanconi anemia. Last evaluated: 2021-05-19. Review status: criteria provided, single submitter. Criteria: Invitae Variant Classification Sherloc (09022015). Collection method: clinical testing. Allele origin: germline.
Comment: Algorithms developed to predict the effect of missense changes on protein structure and function output the following: SIFT: "Tolerated"; PolyPhen-2: "Benign"; Align-GVGD: "Class C0". The valine amino acid residue is found in multiple mammalian species, suggesting that this missense change does not adversely affect protein function. These predictions have not been confirmed by published functional studies and their clinical significance is uncertain. In summary, the available evidence is currently insufficient to determine the role of this variant in disease. Therefore, it has been classified as a Variant of Uncertain Significance. This variant is not present in population databases (ExAC no frequency). This variant has not been reported in the literature in individuals with FANCM-related conditions. This sequence change replaces isoleucine with valine at codon 662 of the FANCM protein (p.Ile662Val). The isoleucine residue is weakly conserved and there is a small physicochemical difference between isoleucine and valine.